The following is an entry in ClinVar:

NM_002451.4(MTAP):c.768T>G (p.Pro256=)

Gene: MTAP (methylthioadenosine phosphorylase; plus strand). Cytogenetic location: 9p21.3.
Variant type: single nucleotide variant.
Coding change: c.768T>G on transcript NM_002451.4 (MANE Select); coding-DNA position 768, T replaced by G.
Protein change: p.Pro256=; no amino-acid change (proline 256 retained).
Molecular consequence: synonymous variant.
Genome position (GRCh38, 1-based): chr9:21,859,380, T>G. VCF-style: chr9-21859380-T-G. GRCh37 (hg19) VCF-style: chr9-21859379-T-G.
Identifiers: ClinVar variation 366249 (VCV000366249.36), dbSNP rs62556500, ClinGen allele CA5011976.

ClinVar aggregate classification (germline): Benign/Likely benign. Review status: criteria provided, multiple submitters, no conflicts (2 of 4 stars). 6 submissions from 6 submitters: Benign (3); Likely benign (3). Last evaluated 2025-11-01.

Conditions:
Diaphyseal medullary stenosis-bone malignancy syndrome. Also called: MYOPATHY, LIMB-GIRDLE, WITH BONE FRAGILITY; BONE DYSPLASIA WITH MALIGNANT FIBROUS HISTIOCYTOMA; BONE DYSPLASIA WITH MEDULLARY FIBROSARCOMA. Identifiers: Orphanet 85182, MedGen C1862177, MONDO:0007205, OMIM 112250.

Allele frequency attached by ClinVar (database versions not stated): 1000 Genomes Project 0.00120; 1000 Genomes Project 30x 0.00156; TOPMed 0.00470; gnomAD 0.00497 and 0.00511; gnomAD exomes 0.00509 and 0.00823; ExAC 0.00525; ESP Exome Variant Server 0.00600.

Submissions (6):

CeGaT Center for Human Genetics Tuebingen
Classification: Likely benign. Last evaluated: 2025-11-01. Review status: criteria provided, single submitter. Criteria: CeGaT Center For Human Genetics Tuebingen Variant Classification Criteria Version 2. Collection method: clinical testing. Allele origin: germline. Affected: yes. Observed: 3 variant alleles.
Comment: MTAP: BP4, BP7, BS2

Blueprint Genetics
Classification: Likely benign. Last evaluated: 2024-11-26. Review status: criteria provided, single submitter. Criteria: ACMG Guidelines, 2015. Collection method: clinical testing. Allele origin: germline.

KCCC/NGS Laboratory, Kuwait Cancer Control Center
Classification: Likely benign for Diaphyseal medullary stenosis-bone malignancy syndrome. Last evaluated: 2023-07-07. Review status: criteria provided, single submitter. Criteria: ACMG Guidelines, 2015. Collection method: clinical testing. Allele origin: germline. Affected: yes.

Labcorp Genetics (formerly Invitae), Labcorp
Classification: Benign. Last evaluated: 2019-12-31. Review status: criteria provided, single submitter. Criteria: Invitae Variant Classification Sherloc (09022015). Collection method: clinical testing. Allele origin: germline.

Illumina Laboratory Services, Illumina
Classification: Benign for Diaphyseal medullary stenosis-bone malignancy syndrome. Last evaluated: 2018-01-13. Review status: criteria provided, single submitter. Criteria: ICSL Variant Classification Criteria 13 December 2019. Collection method: clinical testing. Allele origin: germline.
Comment: This variant was observed in the ICSL laboratory as part of a predisposition screen in an ostensibly healthy population. It had not been previously curated by ICSL or reported in the Human Gene Mutation Database (HGMD: prior to June 1st, 2018), and was therefore a candidate for classification through an automated scoring system. Utilizing variant allele frequency, disease prevalence and penetrance estimates, and inheritance mode, an automated score was calculated to assess if this variant is too frequent to cause the disease. Based on the score and internal cut-off values, a variant classified as benign is not then subjected to further curation. The score for this variant resulted in a classification of benign for this disease.

Breakthrough Genomics
Classification: Benign. Review status: criteria provided, single submitter. Criteria: ACMG Guidelines, 2015. Collection method: not provided. Allele origin: germline. Inheritance: Autosomal dominant inheritance. Affected: yes.